The following is an entry in ClinVar:

ClinVar aggregate classification (germline): Likely benign. Review status: criteria provided, multiple submitters, no conflicts (2 of 4 stars). 2 submissions from 2 submitters: Likely benign (2). Last evaluated 2025-04-14.

Conditions:
CFAP410-related disorder. Also called: CFAP410-related condition.

Allele frequency attached by ClinVar (database versions not stated): gnomAD 0.00001.

Submissions (2):

Labcorp Genetics (formerly Invitae), Labcorp
Classification: Likely benign. Last evaluated: 2025-04-14. Review status: criteria provided, single submitter. Criteria: Invitae Variant Classification Sherloc (09022015). Collection method: clinical testing. Allele origin: germline.

PreventionGenetics, part of Exact Sciences
Classification: Likely benign for CFAP410-related condition. Last evaluated: 2025-04-03. Review status: criteria provided, single submitter. Criteria: ACMG Guidelines, 2015. Collection method: clinical testing. Allele origin: germline.
Comment: This variant is classified as likely benign based on ACMG/AMP sequence variant interpretation guidelines (Richards et al. 2015 PMID: 25741868, with internal and published modifications).

NM_004928.3(CFAP410):c.45G>A (p.Ser15=)

Genes: CFAP410 (cilia and flagella associated protein 410; minus strand), LOC130066823 (ATAC-STARR-seq lymphoblastoid silent region 13383; plus strand). Cytogenetic location: 21q22.3.
Variant type: single nucleotide variant.
Coding change: c.45G>A on transcript NM_004928.3 (MANE Select); coding-DNA position 45, G replaced by A.
Protein change: p.Ser15=; no amino-acid change (serine 15 retained).
Molecular consequence: synonymous variant.
Genome position (GRCh38, 1-based): chr21:44,339,150, C>T on the plus strand (G>A on the coding strand, the complement: CFAP410 is on the minus strand). VCF-style: chr21-44339150-C-T. GRCh37 (hg19) VCF-style: chr21-45759033-C-T.
Other names: c.45G>A, p.Ser15= (NM_001271440.2, NM_001271441.2); c.45G>A (NM_004928.2).
Identifiers: ClinVar variation 1671401 (VCV001671401.9), dbSNP rs1461664980, ClinGen allele CA512518446.
Genomic context (GRCh38, chr21:44,339,150, plus strand): 5'-GGGCGGCCGCGGCCAGGCCCCGCCTCACCAGCAGTTGAGCTTGCGCACGCTGTGCAGCTC[C>T]GAGGCCTTGGCCCGGGTCAGAACCATCTTCCGCGTCAGCTTCATGGCGGCCGCCCAGGCC-3'
Protein context (NP_004919.1, residues 5-25): RKMVLTRAKA[Ser15=]ELHSVRKLNC